The following is an entry in ClinVar:

GRCh38/hg38 Yq11.223(chrY:22726855-22729164)

Genes: PRY (PTPN13 like Y-linked; plus strand), RBMY1J (RNA binding motif protein Y-linked family 1 member J; plus strand), TTTY5 (testis expressed transcript, Y-linked 5; minus strand), TTTY6 (testis expressed transcript, Y-linked 6; minus strand), LOC101929148 (uncharacterized LOC101929148; plus strand). Cytogenetic location: Yq11.223.
Variant type: copy number gain.
Identifiers: ClinVar variation 2584548 (VCV002584548.2).

ClinVar aggregate classification (germline): Uncertain significance (1 of 4 stars; one submission).

Conditions:
Pregnancy loss, recurrent, susceptibility to, 1 (RPRGL1). Also called: EMBRYONIC LOSS, RECURRENT; MISCARRIAGE, RECURRENT; STILLBIRTH, RECURRENT; FETAL LOSS, RECURRENT, SUSCEPTIBILITY TO. Identifiers: MedGen C3280670, MONDO:0013727, OMIM 614389.

Submission:

Laboratorio De Citogenetica, Instituto De Assistencia Medica Ao Servidor Publico Do Estado De Sao Paulo
Classification: Uncertain significance for Habitual spontaneous abortion. Review status: criteria provided, single submitter. Criteria: ACMG/ClinGen CNV Guidelines, 2019. Collection method: research. Allele origin: unknown. Affected: yes.
Comment: The method used was Multiplex Ligation-dependent Probe Amplification (MLPA). BPY2 probe variation (that includes PRY and RBMY1J genes) is regarded as variant of uncertain significance for infertility due to lack of information associated with the region of the variant.